The following is an entry in ClinVar:

NM_002838.5(PTPRC):c.3509+5G>A

Gene: PTPRC (protein tyrosine phosphatase receptor type C; plus strand). Cytogenetic location: 1q32.1.
Variant type: single nucleotide variant.
Coding change: c.3509+5G>A on transcript NM_002838.5 (MANE Select); 5 bases into the intron after coding-DNA position 3509, G replaced by A.
Molecular consequence: intron variant.
Genome position (GRCh38, 1-based): chr1:198,752,777, G>A. VCF-style: chr1-198752777-G-A. GRCh37 (hg19) VCF-style: chr1-198721906-G-A.
Other names: c.3026+5G>A (NM_080921.4).
Identifiers: ClinVar variation 939905 (VCV000939905.6), dbSNP rs377707736, ClinGen allele CA1315456.

ClinVar aggregate classification (germline): Uncertain significance. Review status: criteria provided, multiple submitters, no conflicts (2 of 4 stars). 2 submissions from 2 submitters: Uncertain significance (2). Last evaluated 2022-10-25.

Conditions:
Immunodeficiency 104. Also called: IMMUNODEFICIENCY 104, SEVERE COMBINED; SCID, AUTOSOMAL RECESSIVE, T CELL-NEGATIVE, B CELL-POSITIVE, NK CELL-POSITIVE; Severe combined immunodeficiency, autosomal recessive, T cell-negative, B cell-positive, NK cell-positive; Severe Combined Immune Deficiency, Autosomal Recessive, TCell -Negative, B Cell-Positive, NK Cell-Positive, IL7R-Related. Identifiers: MedGen C5676890, MONDO:0012163, OMIM 608971.

Allele frequency attached by ClinVar (database versions not stated): gnomAD exomes 0.00005; gnomAD 0.00011 and 0.00012; TOPMed 0.00012; ESP Exome Variant Server 0.00015.
gnomAD v4.1: 96 of 1,611,274 alleles (0.006%); highest among the groups gnomAD compares: African/African-American, 0.031%; no homozygotes.

Submissions (2):

Labcorp Genetics (formerly Invitae), Labcorp
Classification: Uncertain significance for Immunodeficiency 104. Last evaluated: 2022-10-25. Review status: criteria provided, single submitter. Criteria: Invitae Variant Classification Sherloc (09022015). Collection method: clinical testing. Allele origin: germline.
Comment: This sequence change falls in intron 31 of the PTPRC gene. It does not directly change the encoded amino acid sequence of the PTPRC protein. It affects a nucleotide within the consensus splice site. This variant is present in population databases (rs377707736, gnomAD 0.05%). This variant has not been reported in the literature in individuals affected with PTPRC-related conditions. ClinVar contains an entry for this variant (Variation ID: 939905). Variants that disrupt the consensus splice site are a relatively common cause of aberrant splicing (PMID: 17576681, 9536098). Algorithms developed to predict the effect of sequence changes on RNA splicing suggest that this variant is not likely to affect RNA splicing. In summary, the available evidence is currently insufficient to determine the role of this variant in disease. Therefore, it has been classified as a Variant of Uncertain Significance.

Blueprint Genetics
Classification: Uncertain significance. Last evaluated: 2022-04-27. Review status: criteria provided, single submitter. Criteria: ACMG Guidelines, 2015. Collection method: clinical testing. Allele origin: germline.

Literature cited by the submitters: PubMed 17576681 (cited by Labcorp Genetics (formerly Invitae), Labcorp); PubMed 9536098 (cited by Labcorp Genetics (formerly Invitae), Labcorp).